The following is an entry in ClinVar:

NM_000334.4(SCN4A):c.2859G>A (p.Pro953=)

Genes: SCN4A (sodium voltage-gated channel alpha subunit 4; minus strand), GH-LCR (growth hormone locus control region; plus strand). Cytogenetic location: 17q23.3.
Variant type: single nucleotide variant.
Coding change: c.2859G>A on transcript NM_000334.4 (MANE Select); coding-DNA position 2859, G replaced by A.
Protein change: p.Pro953=; no amino-acid change (proline 953 retained).
Molecular consequence: synonymous variant.
Genome position (GRCh38, 1-based): chr17:63,949,523, C>T on the plus strand (G>A on the coding strand, the complement: SCN4A is on the minus strand). VCF-style: chr17-63949523-C-T. GRCh37 (hg19) VCF-style: chr17-62026883-C-T.
Identifiers: ClinVar variation 1983097 (VCV001983097.11), dbSNP rs181102307, ClinGen allele CA8709461.

ClinVar aggregate classification (germline): Likely benign. Review status: criteria provided, multiple submitters, no conflicts (2 of 4 stars). 2 submissions from 2 submitters: Likely benign (2). Last evaluated 2025-11-25.

Conditions:
Hyperkalemic periodic paralysis. Also called: Familial hyperkalemic periodic paralysis; Gamstorp disease. Identifiers: Orphanet 682, MedGen C0238357, MONDO:0008224, OMIM 170500, HP:0007215.

Allele frequency attached by ClinVar (database versions not stated): gnomAD 0.00003; ExAC 0.00005; TOPMed 0.00005; ESP Exome Variant Server 0.00008.
gnomAD v4.1: 54 of 1,605,670 alleles (0.0034%); highest among the groups gnomAD compares: Middle Eastern, 0.033%; no homozygotes.

Submissions (2):

Labcorp Genetics (formerly Invitae), Labcorp
Classification: Likely benign for Hyperkalemic periodic paralysis. Last evaluated: 2025-11-25. Review status: criteria provided, single submitter. Criteria: Invitae Variant Classification Sherloc (09022015). Collection method: clinical testing. Allele origin: germline.

CeGaT Center for Human Genetics Tuebingen
Classification: Likely benign. Last evaluated: 2025-03-01. Review status: criteria provided, single submitter. Criteria: CeGaT Center For Human Genetics Tuebingen Variant Classification Criteria Version 2. Collection method: clinical testing. Allele origin: germline. Affected: yes. Observed: 1 variant allele.
Comment: SCN4A: BP4, BP7